The following is an entry in ClinVar:

ClinVar aggregate classification (germline): Uncertain significance (1 of 4 stars; one submission).

Submission:

Labcorp Genetics (formerly Invitae), Labcorp
Classification: Uncertain significance. Last evaluated: 2022-02-08. Review status: criteria provided, single submitter. Criteria: Invitae Variant Classification Sherloc (09022015). Collection method: clinical testing. Allele origin: germline.
Comment: This variant is not present in population databases (gnomAD no frequency). This sequence change replaces asparagine, which is neutral and polar, with lysine, which is basic and polar, at codon 1242 of the FAT4 protein (p.Asn1242Lys). This variant has not been reported in the literature in individuals affected with FAT4-related conditions. In summary, the available evidence is currently insufficient to determine the role of this variant in disease. Therefore, it has been classified as a Variant of Uncertain Significance. Algorithms developed to predict the effect of missense changes on protein structure and function (SIFT, PolyPhen-2, Align-GVGD) all suggest that this variant is likely to be disruptive. ClinVar contains an entry for this variant (Variation ID: 1021826).

NM_001291303.3(FAT4):c.3726T>G (p.Asn1242Lys)

Gene: FAT4 (FAT atypical cadherin 4; plus strand). Cytogenetic location: 4q28.1.
Variant type: single nucleotide variant.
Coding change: c.3726T>G on transcript NM_001291303.3 (MANE Select); coding-DNA position 3726, T replaced by G.
Protein change: p.Asn1242Lys; replaces asparagine 1242 with lysine.
Molecular consequence: missense variant.
Genome position (GRCh38, 1-based): chr4:125,320,137, T>G. VCF-style: chr4-125320137-T-G. GRCh37 (hg19) VCF-style: chr4-126241292-T-G.
Other names: c.3726T>G, p.Asn1242Lys (NM_001291285.3, NM_024582.6); short protein forms N1242K.
Identifiers: ClinVar variation 1021826 (VCV001021826.5), dbSNP rs903106127, ClinGen allele CA358124607.
Genomic context (GRCh38, chr4:125,320,137, plus strand): 5'-AGCAGCCAATCTGACACAAGTGTTAAGAGTATCTGCCTCAGATGTTGATGAAGGTAATAA[T>G]GGACTTATTCACTATTCTATAATAAAAGGAAATGAAGAAAGACAGTTTGCTATAGACAGT-3'
Protein context (NP_001278232.1, residues 1232-1252): VSASDVDEGN[Asn1242Lys]GLIHYSIIKG